The following is an entry in ClinVar:

ClinVar aggregate classification (germline): Conflicting classifications of pathogenicity. Review status: criteria provided, conflicting classifications (1 of 4 stars). 21 submissions from 21 submitters: Likely pathogenic (1); Uncertain significance (10); Benign (2); Likely benign (5). 3 of the submissions do not count toward it. Last evaluated 2026-09-01.

Conditions:
SACS-related disorder. Also called: SACS-related condition.
Spastic paraplegia. Identifiers: MedGen C0037772, HP:0001258.
Hereditary spastic paraplegia. Also called: Familial spastic paraparesis. Identifiers: Orphanet 685, MedGen C0037773, MONDO:0019064. Disease mechanism: loss of function.
Charlevoix-Saguenay spastic ataxia (SACS). Also called: Spastic ataxia of Charlevoix-Saguenay; SPASTIC ATAXIA 6, AUTOSOMAL RECESSIVE; AUTOSOMAL RECESSIVE SPASTIC ATAXIA OF CHARLEVOIX-SAGUENAY. Identifiers: Orphanet 98, MedGen C1849140, MONDO:0010041, OMIM 270550.

Allele frequency attached by ClinVar (database versions not stated): 1000 Genomes Project 0.00040; 1000 Genomes Project 30x 0.00047; gnomAD 0.00171 and 0.00178; TOPMed 0.00174; ESP Exome Variant Server 0.00292.
gnomAD v4.1: 4,218 of 1,613,592 alleles (0.26%); highest among the groups gnomAD compares: Non-Finnish European, 0.33%; 7 homozygotes.

Submissions (21):

CeGaT Center for Human Genetics Tuebingen
Classification: Likely benign. Last evaluated: 2026-09-01. Review status: criteria provided, single submitter. Criteria: CeGaT Center For Human Genetics Tuebingen Variant Classification Criteria Version 2. Collection method: clinical testing. Allele origin: germline. Affected: yes. Observed: 15 variant alleles.
Comment: SACS: PP3, BS2

Women's Health and Genetics/Laboratory Corporation of America, LabCorp
Classification: Likely benign. Last evaluated: 2026-02-16. Review status: criteria provided, single submitter. Criteria: LabCorp Variant Classification Summary - May 2015. Collection method: clinical testing. Allele origin: germline.
Comment: Variant summary: SACS c.8393C>A (p.Pro2798Gln) results in a non-conservative amino acid change in the encoded protein sequence. Algorithms developed to predict the effect of missense changes on protein structure and function all suggest that this variant is likely to be disruptive. The variant allele was found at a frequency of 0.0026 in 1613592 control chromosomes in the gnomAD database, including 7 homozygotes. This frequency is not significantly higher than estimated for disease-causing variants in SACS, allowing no conclusion about variant significance. c.8393C>A has been observed in the homozygous state in three siblings affected with Autosomal Recessive Spastic Ataxia Of Charlevoix-Saguenay, however, they also had another putatively pathogenic variant in homozygosity (Baets_2010). Therefore, this report does not provide unequivocal conclusions about association of the variant with Autosomal Recessive Spastic Ataxia Of Charlevoix-Saguenay. To our knowledge, no experimental evidence demonstrating an impact on protein function has been reported. The following publications have been ascertained in the context of this evaluation (PMID: 20876471, 25401298). ClinVar contains an entry for this variant (Variation ID: 212115). Based on the evidence outlined above, the variant was classified as likely benign.

Labcorp Genetics (formerly Invitae), Labcorp
Classification: Benign for Spastic paraplegia. Last evaluated: 2026-01-31. Review status: criteria provided, single submitter. Criteria: Invitae Variant Classification Sherloc (09022015). Collection method: clinical testing. Allele origin: germline.

PreventionGenetics, part of Exact Sciences
Classification: Likely benign for SACS-related condition. Last evaluated: 2026-01-12. Review status: criteria provided, single submitter. Criteria: ACMG Guidelines, 2015. Collection method: clinical testing. Allele origin: germline.
Comment: This variant is classified as likely benign based on ACMG/AMP sequence variant interpretation guidelines (Richards et al. 2015 PMID: 25741868, with internal and published modifications).

Athena Diagnostics
Classification: Likely benign. Last evaluated: 2025-06-06. Review status: criteria provided, single submitter. Criteria: Athena Diagnostics Criteria. Collection method: clinical testing. Allele origin: unknown.
Comment: The frequency of this variant in the general population is higher than would generally be expected for pathogenic variants in this gene.

Mayo Clinic Laboratories, Mayo Clinic
Classification: Benign. Last evaluated: 2025-02-28. Review status: criteria provided, single submitter. Criteria: ACMG Guidelines, 2015. Collection method: clinical testing. Allele origin: germline. Observed: 16 variant alleles.
Comment: BS1, BS2

Blueprint Genetics
Classification: Uncertain significance. Last evaluated: 2024-10-29. Review status: criteria provided, single submitter. Criteria: ACMG Guidelines, 2015. Collection method: clinical testing. Allele origin: germline.

Clinical Genetics and Genomics, Karolinska University Hospital
Classification: Uncertain significance. Last evaluated: 2024-01-26. Review status: criteria provided, single submitter. Criteria: ACMG Guidelines, 2015. Collection method: clinical testing. Allele origin: germline. Affected: yes. Observed: 1 variant allele.

PROSPAX: an integrated multimodal progression  chart in spastic ataxias, Center for Neurology; Hertie-Institute for Clinical Brain Research
Classification: Likely pathogenic for Charlevoix-Saguenay spastic ataxia. Last evaluated: 2022-01-01. Review status: criteria provided, single submitter. Criteria: ACMG Guidelines, 2015. Collection method: research. Allele origin: germline. Affected: yes.

Genetic Services Laboratory, University of Chicago
Classification: Uncertain significance. Last evaluated: 2021-11-22. Review status: criteria provided, single submitter. Criteria: ACMG Guidelines, 2015. Collection method: clinical testing. Allele origin: germline. Affected: no.

Genome-Nilou Lab
Classification: Uncertain significance for Charlevoix-Saguenay spastic ataxia. Last evaluated: 2021-09-05. Review status: criteria provided, single submitter. Criteria: ACMG Guidelines, 2015. Collection method: clinical testing. Allele origin: germline. Affected: no.

Revvity Omics, Revvity
Classification: Uncertain significance for Charlevoix-Saguenay spastic ataxia. Last evaluated: 2021-06-23. Review status: criteria provided, single submitter. Criteria: ACMG Guidelines, 2015. Collection method: clinical testing. Allele origin: germline.

Genome Diagnostics Laboratory, The Hospital for Sick Children
Classification: Uncertain significance for Hereditary spastic paraplegia. Last evaluated: 2021-05-25. Review status: criteria provided, single submitter. Criteria: ACMG Guidelines, 2015. Collection method: clinical testing. Allele origin: germline. Affected: yes.

GeneDx
Classification: Likely benign. Last evaluated: 2020-12-09. Review status: criteria provided, single submitter. Criteria: GeneDx Variant Classification Process June 2021. Collection method: clinical testing. Allele origin: germline. Affected: yes.
Comment: This variant is associated with the following publications: (PMID: 20876471, 25401298, 27433545, 23280630)

Baylor Genetics
Classification: Uncertain significance for Charlevoix-Saguenay spastic ataxia. Last evaluated: 2018-07-24. Review status: criteria provided, single submitter. Criteria: ACMG Guidelines, 2015. Collection method: clinical testing. Allele origin: unknown. Affected: yes.
Comment: This variant was determined to be of uncertain significance according to ACMG Guidelines, 2015 [PMID:25741868].

Center for Pediatric Genomic Medicine, Children's Mercy Hospital and Clinics
Classification: Uncertain significance. Last evaluated: 2017-06-20. Review status: criteria provided, single submitter. Criteria: ACMG Guidelines, 2015. Collection method: clinical testing. Allele origin: germline.

Illumina Laboratory Services, Illumina
Classification: Uncertain significance for Charlevoix-Saguenay spastic ataxia. Last evaluated: 2017-04-27. Review status: criteria provided, single submitter. Criteria: ICSL Variant Classification Criteria 13 December 2019. Collection method: clinical testing. Allele origin: germline.

Eurofins Ntd Llc (ga)
Classification: Uncertain significance. Last evaluated: 2015-09-21. Review status: criteria provided, single submitter. Criteria: EGL Classification Definitions 2015. Collection method: clinical testing. Allele origin: germline. Observed: 2 variant alleles, 2 heterozygotes.

Clinical Genetics DNA and cytogenetics Diagnostics Lab, Erasmus MC, Erasmus Medical Center
Classification: Uncertain significance. Review status: no assertion criteria provided. Collection method: clinical testing. Allele origin: germline. Affected: yes. Study: VKGL Data-share Consensus. Not counted in ClinVar's aggregate classification.

Diagnostic Laboratory, Department of Genetics, University Medical Center Groningen
Classification: Uncertain significance. Review status: no assertion criteria provided. Collection method: clinical testing. Allele origin: germline. Affected: yes. Study: VKGL Data-share Consensus. Not counted in ClinVar's aggregate classification.

Joint Genome Diagnostic Labs from Nijmegen and Maastricht, Radboudumc and MUMC+
Classification: Uncertain significance. Review status: no assertion criteria provided. Collection method: clinical testing. Allele origin: germline. Affected: yes. Study: VKGL Data-share Consensus. Not counted in ClinVar's aggregate classification.

Literature cited by the submitters: PubMed 20876471 (cited by Women's Health and Genetics/Laboratory Corporation of America, LabCorp and Athena Diagnostics); PubMed 25401298 (cited by Women's Health and Genetics/Laboratory Corporation of America, LabCorp and Athena Diagnostics); PubMed 27433545 (cited by Athena Diagnostics); PubMed 34426522 (cited by Athena Diagnostics); PubMed 34786481 (cited by Athena Diagnostics); PubMed 23280630 (cited by Athena Diagnostics); PubMed 30311378 (cited by Athena Diagnostics); PubMed 27412140 (cited by Athena Diagnostics).

NM_014363.6(SACS):c.8393C>A (p.Pro2798Gln)

Gene: SACS (sacsin molecular chaperone; minus strand). Cytogenetic location: 13q12.12.
Variant type: single nucleotide variant.
Coding change: c.8393C>A on transcript NM_014363.6 (MANE Select); coding-DNA position 8393, C replaced by A.
Protein change: p.Pro2798Gln; replaces proline 2798 with glutamine.
Molecular consequence: missense variant.
Genome position (GRCh38, 1-based): chr13:23,335,483, G>T on the plus strand (C>A on the coding strand, the complement: SACS is on the minus strand). VCF-style: chr13-23335483-G-T. GRCh37 (hg19) VCF-style: chr13-23909622-G-T.
Other names: c.7952C>A, p.Pro2651Gln (NM_001278055.2); short protein forms P2798Q, P2651Q.
Identifiers: ClinVar variation 212115 (VCV000212115.89), dbSNP rs140551762, ClinGen allele CA277355.